The following is an entry in ClinVar:

NM_001201407.2(ZNF778):c.1026C>T (p.Cys342=)

Gene: ZNF778 (zinc finger protein 778; plus strand). Cytogenetic location: 16q24.3.
Variant type: single nucleotide variant.
Coding change: c.1026C>T on transcript NM_001201407.2 (MANE Select); coding-DNA position 1026, C replaced by T.
Protein change: p.Cys342=; no amino-acid change (cysteine 342 retained).
Molecular consequence: synonymous variant. On other transcripts: non-coding transcript variant (1).
Genome position (GRCh38, 1-based): chr16:89,227,314, C>T. VCF-style: chr16-89227314-C-T. GRCh37 (hg19) VCF-style: chr16-89293722-C-T.
Other names: c.1026C>T, p.Cys342= (NM_001378881.1); c.942C>T, p.Cys314= (NM_182531.5).
Identifiers: ClinVar variation 3904790 (VCV003904790.10).
Genomic context (GRCh38, chr16:89,227,314, plus strand): 5'-CAGCCTAACTCAACATGTAAGAATTCATGCTGCAGAGAAACCCTGTGAATGTAAAGAATG[C>T]GGAAAAGCCTTCACTGGACTCTCAGGTCTTTCTAAACACGTCCAAACAGACCCTGGACAG-3'
Protein context (NP_001188336.1, residues 332-352): AAEKPCECKE[Cys342=]GKAFTGLSGL

ClinVar aggregate classification (germline): Likely benign (1 of 4 stars; one submission).

gnomAD v4.1: 1,779 of 1,613,810 alleles (0.11%); highest among the groups gnomAD compares: East Asian, 0.11%; 4 homozygotes.

Submission:

CeGaT Center for Human Genetics Tuebingen
Classification: Likely benign. Last evaluated: 2025-05-01. Review status: criteria provided, single submitter. Criteria: CeGaT Center For Human Genetics Tuebingen Variant Classification Criteria Version 2. Collection method: clinical testing. Allele origin: germline. Affected: yes. Observed: 1 variant allele.
Comment: ZNF778: BP4, BP7